The following is an entry in ClinVar:

NM_000179.3(MSH6):c.3436C>T (p.Gln1146Ter)

Gene: MSH6 (mutS homolog 6; plus strand). Cytogenetic location: 2p16.3.
Variant type: single nucleotide variant.
Coding change: c.3436C>T on transcript NM_000179.3 (MANE Select); coding-DNA position 3436, C replaced by T.
Protein change: p.Gln1146Ter; replaces glutamine 1146 with a stop codon.
Molecular consequence: nonsense.
Genome position (GRCh38, 1-based): chr2:47,803,683, C>T. VCF-style: chr2-47803683-C-T. GRCh37 (hg19) VCF-style: chr2-48030822-C-T.
Other names: c.3046C>T, p.Gln1016Ter (NM_001281492.2); c.2530C>T, p.Gln844Ter (NM_001281493.2, NM_001281494.2); short protein forms Q1146*, Q1016*, Q844*.
Identifiers: ClinVar variation 89382 (VCV000089382.14), dbSNP rs63750356, ClinGen allele CA012815.

ClinVar aggregate classification (germline): Pathogenic. Review status: reviewed by expert panel (3 of 4 stars). 5 submissions from 5 submitters: Pathogenic (1). 4 of the submissions do not count toward it. Last evaluated 2013-09-05.

Conditions:
Lynch syndrome. Identifiers: Orphanet 144, MedGen C4552100, MONDO:0005835. Disease mechanism: loss of function.
Hereditary nonpolyposis colorectal neoplasms. Identifiers: MedGen C0009405, MeSH D003123.
Hereditary cancer-predisposing syndrome. Also called: Tumor predisposition; Hereditary Cancer Syndrome; Hereditary neoplastic syndrome; Neoplastic Syndromes, Hereditary. Identifiers: Orphanet 140162, MedGen C0027672, MeSH D009386, MONDO:0015356.
Lynch syndrome 5 (LYNCH5). Also called: Colorectal cancer, hereditary nonpolyposis, type 5; Hereditary non-polyposis colorectal cancer, type 5. Identifiers: Orphanet 144, MedGen C1833477, MONDO:0013710, OMIM 614350. Disease mechanism: loss of function.

Submissions (5):

International Society for Gastrointestinal Hereditary Tumours (InSiGHT)
Classification: Pathogenic for Lynch Syndrome. Last evaluated: 2013-09-05. Review status: reviewed by expert panel. Criteria: Guidelines v1.9. Collection method: research. Allele origin: germline.
Comment: Coding sequence variation resulting in a stop codon

Classified with v1.9 guidelines

Labcorp Genetics (formerly Invitae), Labcorp
Classification: Pathogenic for Hereditary nonpolyposis colorectal neoplasms. Last evaluated: 2024-08-05. Review status: criteria provided, single submitter. Criteria: Invitae Variant Classification Sherloc (09022015). Collection method: clinical testing. Allele origin: germline. Not counted in ClinVar's aggregate classification.
Comment: This sequence change creates a premature translational stop signal (p.Gln1146*) in the MSH6 gene. It is expected to result in an absent or disrupted protein product. Loss-of-function variants in MSH6 are known to be pathogenic (PMID: 18269114, 24362816). This variant is not present in population databases (gnomAD no frequency). This premature translational stop signal has been observed in individual(s) with Lynch syndrome (PMID: 17199584). ClinVar contains an entry for this variant (Variation ID: 89382). For these reasons, this variant has been classified as Pathogenic.

Ambry Genetics
Classification: Pathogenic for Hereditary cancer-predisposing syndrome. Last evaluated: 2023-10-12. Review status: criteria provided, single submitter. Criteria: Ambry Variant Classification Scheme 2023. Collection method: clinical testing. Allele origin: germline. Not counted in ClinVar's aggregate classification.
Comment: The p.Q1146* pathogenic mutation (also known as c.3436C>T), located in coding exon 5 of the MSH6 gene, results from a C to T substitution at nucleotide position 3436. This changes the amino acid from a glutamine to a stop codon within coding exon 5. This pathogenic mutation was reported in an individual with personal and family history consistent with Muir-Torre syndrome (Mangold E et al. Br. J. Dermatol. 2007 Jan;156(1):158-62). In addition to the clinical data presented in the literature, this alteration is expected to result in loss of function by premature protein truncation or nonsense-mediated mRNA decay. As such, this alteration is interpreted as a disease-causing mutation.

Myriad Genetics, Inc.
Classification: Pathogenic for Lynch syndrome 5. Last evaluated: 2023-08-23. Review status: criteria provided, single submitter. Criteria: Myriad Autosomal Dominant, Autosomal Recessive and X-Linked Classification Criteria (2023). Collection method: clinical testing. Allele origin: unknown. Not counted in ClinVar's aggregate classification.
Comment: This variant is considered pathogenic. This variant creates a termination codon and is predicted to result in premature protein truncation.

GeneDx
Classification: Pathogenic. Last evaluated: 2017-06-14. Review status: criteria provided, single submitter. Criteria: GeneDx Variant Classification (06012015). Collection method: clinical testing. Allele origin: germline. Affected: yes. Not counted in ClinVar's aggregate classification.
Comment: This variant is denoted MSH6 c.3436C>T at the cDNA level and p.Gln1146Ter (Q1146X) at the protein level. The substitution creates a nonsense variant, which changes a Glutamine to a premature stop codon (CAG>TAG), and is predicted to cause loss of normal protein function through either protein truncation or nonsense-mediated mRNA decay. This variant has been reported in at least two individuals with colorectal cancer, one of whom also had a sebaceous neoplasm, and is considered pathogenic (Mangold 2007, Steinke 2008).

Literature cited by the submitters: PubMed 18269114 (cited by Labcorp Genetics (formerly Invitae), Labcorp); PubMed 24362816 (cited by Labcorp Genetics (formerly Invitae), Labcorp); PubMed 17199584 (cited by Labcorp Genetics (formerly Invitae), Labcorp and Ambry Genetics); PubMed 18301448 (cited by Ambry Genetics).